The following is an entry in ClinVar:

NM_001943.5(DSG2):c.1515A>T (p.Thr505=)

Gene: DSG2 (desmoglein 2; plus strand). Cytogenetic location: 18q12.1.
Variant type: single nucleotide variant.
Coding change: c.1515A>T on transcript NM_001943.5 (MANE Select); coding-DNA position 1515, A replaced by T.
Protein change: p.Thr505=; no amino-acid change (threonine 505 retained).
Molecular consequence: synonymous variant.
Genome position (GRCh38, 1-based): chr18:31,536,293, A>T. VCF-style: chr18-31536293-A-T. GRCh37 (hg19) VCF-style: chr18-29116256-A-T.
Identifiers: ClinVar variation 924629 (VCV000924629.3), dbSNP rs2073230182, ClinGen allele CA503600719.

ClinVar aggregate classification (germline): Likely benign. Review status: criteria provided, multiple submitters, no conflicts (2 of 4 stars). 2 submissions from 2 submitters: Likely benign (2). Last evaluated 2023-12-18.

Conditions:
Cardiomyopathy (CMYO). Also called: Cardiomyopathies. Identifiers: Orphanet 167848, MedGen C0878544, MONDO:0004994, HP:0001638. Inheritance: Various modes of inheritance.
Arrhythmogenic right ventricular cardiomyopathy (ARVD). Also called: Arrhythmogenic cardiomyopathy; Cardiomyopathy, ARVC; Arrhythmogenic right ventricular dysplasia; Arrhythmogenic Right Ventricular Cardiomyopathy (ARVC). Identifiers: Orphanet 247, MedGen C0349788, MeSH D019571, MONDO:0016587. Disease mechanism: loss of function. Inheritance: Various modes of inheritance.

Submissions (2):

All of Us Research Program, National Institutes of Health
Classification: Likely benign for Arrhythmogenic right ventricular cardiomyopathy. Last evaluated: 2023-12-18. Review status: criteria provided, single submitter. Criteria: ACMG Guidelines, 2015. Collection method: clinical testing. Allele origin: germline. Inheritance: Autosomal dominant inheritance. Observed: 1 variant allele, 1 heterozygote.
Comment: This study involves interpretation of variants in research participants for the purpose of population health screening. Participant phenotype was not available at the time of variant classification. Additional details can be found in publication PMID: 35346344, PMCID: PMC8962531

Color Diagnostics, LLC DBA Color Health
Classification: Likely benign for Cardiomyopathy. Last evaluated: 2018-12-16. Review status: criteria provided, single submitter. Criteria: ACMG Guidelines, 2015. Collection method: clinical testing. Allele origin: germline.